The following is an entry in ClinVar:

NM_000260.4(MYO7A):c.2101C>T (p.Leu701Phe)

Gene: MYO7A (myosin VIIA; plus strand). Cytogenetic location: 11q13.5.
Variant type: single nucleotide variant.
Coding change: c.2101C>T on transcript NM_000260.4 (MANE Select); coding-DNA position 2101, C replaced by T.
Protein change: p.Leu701Phe; replaces leucine 701 with phenylalanine.
Molecular consequence: missense variant.
Genome position (GRCh38, 1-based): chr11:77,175,378, C>T. VCF-style: chr11-77175378-C-T. GRCh37 (hg19) VCF-style: chr11-76886424-C-T.
Other names: c.2101C>T, p.Leu701Phe (NM_001127180.2); c.2068C>T, p.Leu690Phe (NM_001369365.1); short protein forms L690F, L701F.
Identifiers: ClinVar variation 1304249 (VCV001304249.2), dbSNP rs1591352944, ClinGen allele CA381939614.

ClinVar aggregate classification (germline): Uncertain significance (1 of 4 stars; one submission).

Allele frequency attached by ClinVar (database versions not stated): gnomAD exomes below 0.00001.

Submission:

GeneDx
Classification: Uncertain significance. Last evaluated: 2018-11-02. Review status: criteria provided, single submitter. Criteria: GeneDx Variant Classification Process June 2021. Collection method: clinical testing. Allele origin: germline. Affected: yes.
Comment: Not observed in large population cohorts (Lek et al., 2016); In silico analysis, which includes protein predictors and evolutionary conservation, supports that this variant does not alter protein structure/function; Has not been previously published as pathogenic or benign to our knowledge